The following is an entry in ClinVar:

ClinVar aggregate classification (germline): Benign (1 of 4 stars; one submission).

Conditions:
Familial cancer of breast. Also called: BREAST CANCER, FAMILIAL; Hereditary breast cancer; hereditary breast carcinoma. Identifiers: Orphanet 227535, MedGen C0346153, MONDO:0016419, OMIM 114480. Disease mechanism: loss of function.

Submission:

Myriad Genetics, Inc.
Classification: Benign for Familial cancer of breast. Last evaluated: 2024-05-09. Review status: criteria provided, single submitter. Criteria: Myriad Autosomal Dominant, Autosomal Recessive and X-Linked Classification Criteria (2023). Collection method: clinical testing. Allele origin: unknown.
Comment: This variant is considered benign. This variant is a silent/synonymous amino acid change and it is not expected to impact splicing.

NM_000051.4(ATM):c.2574T>C (p.Phe858=)

Gene: ATM (ATM serine/threonine kinase; plus strand). Cytogenetic location: 11q22.3.
Variant type: single nucleotide variant.
Coding change: c.2574T>C on transcript NM_000051.4 (MANE Select); coding-DNA position 2574, T replaced by C.
Protein change: p.Phe858=; no amino-acid change (phenylalanine 858 retained).
Molecular consequence: synonymous variant.
Genome position (GRCh38, 1-based): chr11:108,267,278, T>C. VCF-style: chr11-108267278-T-C. GRCh37 (hg19) VCF-style: chr11-108138005-T-C.
Other names: c.2574T>C, p.Phe858= (NM_001351834.2).
Identifiers: ClinVar variation 3253808 (VCV003253808.1), dbSNP rs2081309060.